The following is an entry in ClinVar:

ClinVar aggregate classification (germline): Conflicting classifications of pathogenicity. Review status: criteria provided, conflicting classifications (1 of 4 stars). 5 submissions from 5 submitters: Uncertain significance (3); Likely benign (2). Last evaluated 2026-06-10.

Conditions:
Cardiovascular phenotype. Identifiers: MedGen CN230736.

Allele frequency attached by ClinVar (database versions not stated): gnomAD 0.00011 and 0.00013; ExAC below 0.00001; TOPMed 0.00004.
gnomAD v4.1: 98 of 1,548,672 alleles (0.0063%); highest among the groups gnomAD compares: Non-Finnish European, 0.001%; no homozygotes.

Submissions (5):

Women's Health and Genetics/Laboratory Corporation of America, LabCorp
Classification: Uncertain significance. Last evaluated: 2026-06-10. Review status: criteria provided, single submitter. Criteria: LabCorp Variant Classification Summary - May 2015. Collection method: clinical testing. Allele origin: germline.
Comment: Variant summary: ZNF469 c.4892G>A (p.Gly1631Glu) results in a non-conservative amino acid change in the encoded protein sequence. Algorithms developed to predict the effect of missense changes on protein structure and function are either unavailable or do not agree on the potential impact of this missense change. The variant allele was found at a frequency of 0.00014 in 150438 control chromosomes. This frequency is not significantly higher than estimated for disease-causing variants in ZNF469, allowing no conclusion about variant significance. To our knowledge, no occurrence of c.4892G>A in individuals affected with ZNF469-related conditions and no experimental evidence demonstrating its impact on protein function have been reported. ClinVar contains an entry for this variant (Variation ID: 320931). Based on the evidence outlined above, the variant was classified as uncertain significance.

GeneDx
Classification: Uncertain significance. Last evaluated: 2026-04-24. Review status: criteria provided, single submitter. Criteria: GeneDx Variant Classification Process June 2021. Collection method: clinical testing. Allele origin: germline.
Comment: In silico analysis suggests that this missense variant does not alter protein structure/function; Has not been previously published as pathogenic or benign to our knowledge

Mayo Clinic Laboratories, Mayo Clinic
Classification: Likely benign. Last evaluated: 2025-10-22. Review status: criteria provided, single submitter. Criteria: ACMG Guidelines, 2015. Collection method: clinical testing. Allele origin: germline. Observed: 1 variant allele.
Comment: BS1, BP4_moderate

Ambry Genetics
Classification: Likely benign for Cardiovascular phenotype. Last evaluated: 2025-04-16. Review status: criteria provided, single submitter. Criteria: Ambry Variant Classification Scheme 2023. Collection method: clinical testing. Allele origin: germline.

Labcorp Genetics (formerly Invitae), Labcorp
Classification: Uncertain significance. Last evaluated: 2022-02-09. Review status: criteria provided, single submitter. Criteria: Invitae Variant Classification Sherloc (09022015). Collection method: clinical testing. Allele origin: germline.
Comment: This sequence change replaces glycine, which is neutral and non-polar, with glutamic acid, which is acidic and polar, at codon 1603 of the ZNF469 protein (p.Gly1603Glu). This variant is present in population databases (rs755244502, gnomAD 0.2%). This variant has not been reported in the literature in individuals affected with ZNF469-related conditions. ClinVar contains an entry for this variant (Variation ID: 320931). Algorithms developed to predict the effect of missense changes on protein structure and function output the following: SIFT: "Deleterious"; PolyPhen-2: "Benign"; Align-GVGD: "Class C0". The glutamic acid amino acid residue is found in multiple mammalian species, which suggests that this missense change does not adversely affect protein function. In summary, the available evidence is currently insufficient to determine the role of this variant in disease. Therefore, it has been classified as a Variant of Uncertain Significance.

NM_001367624.2(ZNF469):c.4892G>A (p.Gly1631Glu)

Gene: ZNF469 (zinc finger protein 469; plus strand). Cytogenetic location: 16q24.2.
Variant type: single nucleotide variant.
Coding change: c.4892G>A on transcript NM_001367624.2 (MANE Select); coding-DNA position 4892, G replaced by A.
Protein change: p.Gly1631Glu; replaces glycine 1631 with glutamic acid.
Molecular consequence: missense variant.
Genome position (GRCh38, 1-based): chr16:88,432,362, G>A. VCF-style: chr16-88432362-G-A. GRCh37 (hg19) VCF-style: chr16-88498770-G-A.
Other names: p.Gly1631Glu; short protein forms G1631E.
Identifiers: ClinVar variation 320931 (VCV000320931.11), dbSNP rs755244502, ClinGen allele CA8225022.